The following is an entry in ClinVar:

ClinVar aggregate classification (germline): Uncertain significance. Review status: criteria provided, multiple submitters, no conflicts (2 of 4 stars). 2 submissions from 2 submitters: Uncertain significance (2). Last evaluated 2025-07-10.

Allele frequency attached by ClinVar (database versions not stated): TOPMed below 0.00001.

Submissions (2):

Ambry Genetics
Classification: Uncertain significance. Last evaluated: 2025-07-10. Review status: criteria provided, single submitter. Criteria: Ambry Variant Classification Scheme 2023. Collection method: clinical testing. Allele origin: germline.
Comment: The p.S17C variant (also known as c.50C>G), located in coding exon 2 of the RINT1 gene, results from a C to G substitution at nucleotide position 50. The serine at codon 17 is replaced by cysteine, an amino acid with dissimilar properties. This amino acid position is conserved. In addition, this alteration is predicted to be tolerated by in silico analysis. Since supporting evidence is limited at this time, the clinical significance of this alteration remains unclear.

Labcorp Genetics (formerly Invitae), Labcorp
Classification: Uncertain significance. Last evaluated: 2024-02-23. Review status: criteria provided, single submitter. Criteria: Invitae Variant Classification Sherloc (09022015). Collection method: clinical testing. Allele origin: germline.
Comment: This sequence change replaces serine, which is neutral and polar, with cysteine, which is neutral and slightly polar, at codon 17 of the RINT1 protein (p.Ser17Cys). This variant is not present in population databases (gnomAD no frequency). This variant has not been reported in the literature in individuals affected with RINT1-related conditions. ClinVar contains an entry for this variant (Variation ID: 1015853). An algorithm developed to predict the effect of missense changes on protein structure and function (PolyPhen-2) suggests that this variant is likely to be tolerated. In summary, the available evidence is currently insufficient to determine the role of this variant in disease. Therefore, it has been classified as a Variant of Uncertain Significance.

NM_021930.6(RINT1):c.50C>G (p.Ser17Cys)

Gene: RINT1 (RAD50 interactor 1; plus strand). Cytogenetic location: 7q22.3.
Variant type: single nucleotide variant.
Coding change: c.50C>G on transcript NM_021930.6 (MANE Select); coding-DNA position 50, C replaced by G.
Protein change: p.Ser17Cys; replaces serine 17 with cysteine.
Molecular consequence: missense variant. On other transcripts: 5 prime UTR variant (4), non-coding transcript variant (1).
Genome position (GRCh38, 1-based): chr7:105,532,831, C>G. VCF-style: chr7-105532831-C-G. GRCh37 (hg19) VCF-style: chr7-105173278-C-G.
Other names: c.-48C>G (NM_001346599.2); c.-970C>G (NM_001346600.2); c.-873C>G (NM_001346601.2); c.-493C>G (NM_001346603.2); c.50C>G (NM_021930.4); short protein forms S17C.
Identifiers: ClinVar variation 1015853 (VCV001015853.13), dbSNP rs1790087339, ClinGen allele CA368799279.
Genomic context (GRCh38, chr7:105,532,831, plus strand): 5'-TTCCATCCACGACTTTAATCTTAATGTGCTTGTCACATCTGTTCTTCTTCTAGTGCTGCT[C>G]TGAAAGTGGTGACGAAAGGAAGAACCTCGAGGAGAAAAGTAAGCCAGCTCCAAACACCTT-3'
Protein context (NP_068749.3, residues 7-27): IGASPAAPCC[Ser17Cys]ESGDERKNLE